The following is an entry in ClinVar:

ClinVar aggregate classification (germline): Conflicting classifications of pathogenicity. Review status: criteria provided, conflicting classifications (1 of 4 stars). 5 submissions from 5 submitters: Uncertain significance (4); Likely benign (1). Last evaluated 2025-04-10.

Conditions:
Progressive external ophthalmoplegia with mitochondrial DNA deletions, autosomal dominant 1 (PEOA1). Also called: PROGRESSIVE EXTERNAL OPHTHALMOPLEGIA, AUTOSOMAL DOMINANT 1; Autosomal Dominant Progressive External Ophthalmoplegia (adPEO). Identifiers: MedGen C1834846, MONDO:0024528, OMIM 157640.
Progressive external ophthalmoplegia with mitochondrial DNA deletions, autosomal recessive 1 (PEOB1). Also called: Progressive external ophthalmoplegia, autosomal recessive 1; Autosomal Recessive Progressive External Ophthalmoplegia (arPEO). Identifiers: Orphanet 254886, MedGen C4225153, MONDO:0009783, OMIM 258450.
Sensory ataxic neuropathy, dysarthria, and ophthalmoparesis (SANDO). Also called: Sensory ataxic neuropathy-dysarthria-ophthalmoparesis syndrome; Ataxia Neuropathy Spectrum (ANS); SENSORY ATAXIC NEUROPATHY WITH MITOCHONDRIAL DNA DELETIONS, AUTOSOMAL RECESSIVE; Epilepsy, progressive myoclonic, type 5. Identifiers: Orphanet 70595, MedGen C1843851, MONDO:0011835, OMIM 607459.
Progressive sclerosing poliodystrophy (MTDPS4A). Also called: Mitochondrial DNA depletion syndrome 4A (Alpers type); Mitochondrial DNA Depletion Syndrome 4A; ALPERS PROGRESSIVE INFANTILE POLIODYSTROPHY; Alpers-Huttenlocher Syndrome; Alpers Syndrome; ALPERS DIFFUSE DEGENERATION OF CEREBRAL GRAY MATTER WITH HEPATIC CIRRHOSIS. Identifiers: Orphanet 726, MedGen C0205710, MONDO:0008758, OMIM 203700.
Mitochondrial DNA depletion syndrome 4b. Also called: Mitochondrial Neurogastrointestinal Encephalopathy Disease, POLG-Related; MNGIE, POLG-RELATED. Identifiers: Orphanet 298, MedGen C3150914, MONDO:0013350, OMIM 613662.

Allele frequency attached by ClinVar (database versions not stated): TOPMed below 0.00001; gnomAD 0.00001 and 0.00002; gnomAD exomes 0.00005 and 0.00011; ExAC 0.00014; 1000 Genomes Project 0.00020; 1000 Genomes Project 30x 0.00031.
gnomAD v4.1: 77 of 1,611,748 alleles (0.0048%); highest among the groups gnomAD compares: South Asian, 0.053%; no homozygotes.

Submissions (5):

Labcorp Genetics (formerly Invitae), Labcorp
Classification: Likely benign for Progressive sclerosing poliodystrophy. Last evaluated: 2025-04-10. Review status: criteria provided, single submitter. Criteria: Invitae Variant Classification Sherloc (09022015). Collection method: clinical testing. Allele origin: germline.

Blueprint Genetics
Classification: Uncertain significance. Last evaluated: 2021-11-08. Review status: criteria provided, single submitter. Criteria: ACMG Guidelines, 2015. Collection method: clinical testing. Allele origin: germline.

GeneDx
Classification: Uncertain significance. Last evaluated: 2018-01-31. Review status: criteria provided, single submitter. Criteria: GeneDx Variant Classification (06012015). Collection method: clinical testing. Allele origin: germline. Affected: yes.
Comment: A variant of uncertain significance has been identified in the POLG gene. The R288C variant has not been published as a pathogenic variant, nor has it been reported as a benign variant to our knowledge. The R288C variant is observed in 22/30614 (0.07%) alleles from individuals of South Asian background in large population cohorts (Lek et al., 2016). The R288C variant is a non-conservative amino acid substitution, which is likely to impact secondary protein structure as these residues differ in polarity, charge, size and/or other properties. In-silico analyses, including protein predictors and evolutionary conservation, support a deleterious effect. Based on the currently available information, it is unclear whether this variant is a pathogenic variant or a rare benign variant.

CeGaT Center for Human Genetics Tuebingen
Classification: Uncertain significance. Last evaluated: 2016-10-01. Review status: criteria provided, single submitter. Criteria: CeGaT Center For Human Genetics Tuebingen Variant Classification Criteria Version 2. Collection method: clinical testing. Allele origin: germline. Affected: yes. Observed: 1 variant allele.

Center for Genomics, Ann and Robert H. Lurie Children's Hospital of Chicago
Classification: Uncertain significance for Sensory ataxic neuropathy, dysarthria, and ophthalmoparesis; Mitochondrial DNA depletion syndrome 4b; Progressive sclerosing poliodystrophy; Progressive external ophthalmoplegia with mitochondrial DNA deletions, autosomal dominant 1; Progressive external ophthalmoplegia with mitochondrial DNA deletions, autosomal recessive 1. Review status: criteria provided, single submitter. Criteria: ACMG Guidelines, 2015. Collection method: clinical testing. Allele origin: germline.
Comment: POLG NM_002693.2 exon 4 p.Arg288Cys (c.862C>T): This variant has not been reported in the literature and is present in 0.06% (21/30450) of South Asian alleles in the Genome Aggregation Database. This variant is present in ClinVar (Variation ID:206586). Evolutionary conservation and computational predictive tools for this variant are unclear. In summary, data on this variant is insufficient for disease classification. Therefore, the clinical significance of this variant is uncertain.

NM_002693.3(POLG):c.862C>T (p.Arg288Cys)

Gene: POLG (DNA polymerase gamma, catalytic subunit; minus strand). Cytogenetic location: 15q26.1.
Variant type: single nucleotide variant.
Coding change: c.862C>T on transcript NM_002693.3 (MANE Select); coding-DNA position 862, C replaced by T.
Protein change: p.Arg288Cys; replaces arginine 288 with cysteine.
Molecular consequence: missense variant.
Genome position (GRCh38, 1-based): chr15:89,329,104, G>A on the plus strand (C>T on the coding strand, the complement: POLG is on the minus strand). VCF-style: chr15-89329104-G-A. GRCh37 (hg19) VCF-style: chr15-89872335-G-A.
Other names: p.R288C:CGC>TGC; c.862C>T, p.Arg288Cys (NM_001126131.2); short protein forms R288C.
Identifiers: ClinVar variation 206586 (VCV000206586.56), dbSNP rs564582352, ClinGen allele CA316815.